The following is an entry in ClinVar:

NM_015634.4(KIFBP):c.1813A>G (p.Ser605Gly)

Gene: KIFBP (kinesin family binding protein; plus strand). Cytogenetic location: 10q22.1.
Variant type: single nucleotide variant.
Coding change: c.1813A>G on transcript NM_015634.4 (MANE Select); coding-DNA position 1813, A replaced by G.
Protein change: p.Ser605Gly; replaces serine 605 with glycine.
Molecular consequence: missense variant.
Genome position (GRCh38, 1-based): chr10:69,016,363, A>G. VCF-style: chr10-69016363-A-G. GRCh37 (hg19) VCF-style: chr10-70776119-A-G.
Other names: short protein forms S605G.
Identifiers: ClinVar variation 2011961 (VCV002011961.4), dbSNP rs2132120266, ClinGen allele CA376903930.

ClinVar aggregate classification (germline): Uncertain significance (1 of 4 stars; one submission).

Allele frequency attached by ClinVar (database versions not stated): gnomAD exomes below 0.00001.
gnomAD v4.1: 2 of 1,613,996 alleles (0.00012%); highest among the groups gnomAD compares: Non-Finnish European, 0.000085%; no homozygotes.

Submission:

Labcorp Genetics (formerly Invitae), Labcorp
Classification: Uncertain significance. Last evaluated: 2022-06-28. Review status: criteria provided, single submitter. Criteria: Invitae Variant Classification Sherloc (09022015). Collection method: clinical testing. Allele origin: germline.
Comment: In summary, the available evidence is currently insufficient to determine the role of this variant in disease. Therefore, it has been classified as a Variant of Uncertain Significance. This sequence change replaces serine, which is neutral and polar, with glycine, which is neutral and non-polar, at codon 605 of the KIF1BP protein (p.Ser605Gly). This variant is not present in population databases (gnomAD no frequency). This variant has not been reported in the literature in individuals affected with KIF1BP-related conditions. Algorithms developed to predict the effect of missense changes on protein structure and function output the following: SIFT: "Tolerated"; PolyPhen-2: "Benign"; Align-GVGD: "Class C0". The glycine amino acid residue is found in multiple mammalian species, which suggests that this missense change does not adversely affect protein function.